The following is an entry in ClinVar:

ClinVar aggregate classification (germline): Uncertain significance. Review status: criteria provided, multiple submitters, no conflicts (2 of 4 stars). 2 submissions from 2 submitters: Uncertain significance (2). Last evaluated 2025-06-21.

Conditions:
EGFR-related lung cancer (EGFR). Identifiers: MedGen CN130014.
Hereditary cancer-predisposing syndrome. Also called: Neoplastic Syndromes, Hereditary; Hereditary neoplastic syndrome; Tumor predisposition; Hereditary Cancer Syndrome. Identifiers: Orphanet 140162, MedGen C0027672, MeSH D009386, MONDO:0015356.

Submissions (2):

Ambry Genetics
Classification: Uncertain significance for Hereditary cancer-predisposing syndrome. Last evaluated: 2025-06-21. Review status: criteria provided, single submitter. Criteria: Ambry Variant Classification Scheme 2023. Collection method: clinical testing. Allele origin: germline.
Comment: The p.M1007V variant (also known as c.3019A>G), located in coding exon 25 of the EGFR gene, results from an A to G substitution at nucleotide position 3019. The methionine at codon 1007 is replaced by valine, an amino acid with highly similar properties. This amino acid position is conserved. In addition, this alteration is predicted to be tolerated by in silico analysis. Based on the available evidence, the clinical significance of this variant remains unclear.

Labcorp Genetics (formerly Invitae), Labcorp
Classification: Uncertain significance for EGFR-related lung cancer. Last evaluated: 2023-02-01. Review status: criteria provided, single submitter. Criteria: Invitae Variant Classification Sherloc (09022015). Collection method: clinical testing. Allele origin: germline.
Comment: Advanced modeling of protein sequence and biophysical properties (such as structural, functional, and spatial information, amino acid conservation, physicochemical variation, residue mobility, and thermodynamic stability) performed at Invitae indicates that this missense variant is not expected to disrupt EGFR protein function. This variant has not been reported in the literature in individuals affected with EGFR-related conditions. This variant is not present in population databases (gnomAD no frequency). This sequence change replaces methionine, which is neutral and non-polar, with valine, which is neutral and non-polar, at codon 1007 of the EGFR protein (p.Met1007Val). In summary, the available evidence is currently insufficient to determine the role of this variant in disease. Therefore, it has been classified as a Variant of Uncertain Significance.

NM_005228.5(EGFR):c.3019A>G (p.Met1007Val)

Gene: EGFR (epidermal growth factor receptor; plus strand). Cytogenetic location: 7p11.2.
Variant type: single nucleotide variant.
Coding change: c.3019A>G on transcript NM_005228.5 (MANE Select); coding-DNA position 3019, A replaced by G.
Protein change: p.Met1007Val; replaces methionine 1007 with valine.
Molecular consequence: missense variant.
Genome position (GRCh38, 1-based): chr7:55,201,260, A>G. VCF-style: chr7-55201260-A-G. GRCh37 (hg19) VCF-style: chr7-55268953-A-G.
Other names: c.2884A>G, p.Met962Val (NM_001346897.2, NM_001346899.2); c.3019A>G, p.Met1007Val (NM_001346898.2); c.2860A>G, p.Met954Val (NM_001346900.2); c.2218A>G, p.Met740Val (NM_001346941.2); short protein forms M740V, M1007V, M962V, M954V.
Identifiers: ClinVar variation 2892265 (VCV002892265.4), dbSNP rs1787834992, ClinGen allele CA367582493.
Genomic context (GRCh38, chr7:55,201,260, plus strand): 5'-ATGCATTTGCCAAGTCCTACAGACTCCAACTTCTACCGTGCCCTGATGGATGAAGAAGAC[A>G]TGGACGACGTGGTGGATGCCGACGAGTACCTCATCCCACAGCAGGGCTTCTTCAGCAGCC-3'
Protein context (NP_005219.2, residues 997-1017): FYRALMDEED[Met1007Val]DDVVDADEYL